The following is an entry in ClinVar:

NM_003640.5(ELP1):c.93G>T (p.Gly31=)

Gene: ELP1 (elongator acetyltransferase complex subunit 1; minus strand). Cytogenetic location: 9q31.3.
Variant type: single nucleotide variant.
Coding change: c.93G>T on transcript NM_003640.5 (MANE Select); coding-DNA position 93, G replaced by T.
Protein change: p.Gly31=; no amino-acid change (glycine 31 retained).
Molecular consequence: synonymous variant. On other transcripts: 5 prime UTR variant (2).
Genome position (GRCh38, 1-based): chr9:108,931,054, C>A on the plus strand (G>T on the coding strand, the complement: ELP1 is on the minus strand). VCF-style: chr9-108931054-C-A. GRCh37 (hg19) VCF-style: chr9-111693334-C-A.
Other names: c.-250G>T (NM_001318360.2); c.-767G>T (NM_001330749.2).
Identifiers: ClinVar variation 1335733 (VCV001335733.40), dbSNP rs778404648, ClinGen allele CA5175468.

ClinVar aggregate classification (germline): Conflicting classifications of pathogenicity. Review status: criteria provided, conflicting classifications (1 of 4 stars). 4 submissions from 4 submitters: Uncertain significance (3); Likely benign (1). Last evaluated 2024-12-09.

Conditions:
Medulloblastoma (MDB). Also called: Medulloblastoma, somatic; MEDULLOBLASTOMA PREDISPOSITION SYNDROME. Identifiers: Orphanet 616, MedGen C0025149, MeSH D008527, MONDO:0007959, OMIM 155255, HP:0002885.
Familial dysautonomia. Also called: FD; HSAN III. Identifiers: Orphanet 1764, MedGen C0013364, MONDO:0009131, OMIM 223900. Disease mechanism: loss of function.

Allele frequency attached by ClinVar (database versions not stated): gnomAD exomes 0.00001; ExAC 0.00002.
gnomAD v4.1: 11 of 1,614,124 alleles (0.00068%); highest among the groups gnomAD compares: Non-Finnish European, 0.00093%; no homozygotes.

Submissions (4):

Labcorp Genetics (formerly Invitae), Labcorp
Classification: Uncertain significance. Last evaluated: 2024-12-09. Review status: criteria provided, single submitter. Criteria: Invitae Variant Classification Sherloc (09022015). Collection method: clinical testing. Allele origin: germline.
Comment: This sequence change affects codon 31 of the ELP1 mRNA. It is a 'silent' change, meaning that it does not change the encoded amino acid sequence of the ELP1 protein. This variant is present in population databases (rs778404648, gnomAD 0.002%). This variant has not been reported in the literature in individuals affected with ELP1-related conditions. ClinVar contains an entry for this variant (Variation ID: 1335733). Algorithms developed to predict the effect of sequence changes on RNA splicing suggest that this variant may create or strengthen a splice site. In summary, the available evidence is currently insufficient to determine the role of this variant in disease. Therefore, it has been classified as a Variant of Uncertain Significance.

St. Jude Molecular Pathology, St. Jude Children's Research Hospital
Classification: Uncertain significance for Medulloblastoma. Last evaluated: 2024-12-06. Review status: criteria provided, single submitter. Criteria: St. Jude Assertion Criteria 2020. Collection method: clinical testing. Allele origin: germline.
Comment: The ELP1 c.93G>T (p.Gly31=) synonymous change has a maximum subpopulation frequency of 0.002% in gnomAD v2.1.1. Algorithms that predict the impact of sequence changes on splicing indicate that this change may impact splicing, but to our knowledge these predictions have not been confirmed by RNA studies. To our knowledge, this variant has not been reported in individuals with a personal or family history of medulloblastoma. In summary, the evidence currently available is insufficient to determine the clinical significance of this variant. It has therefore been classified as of uncertain significance.

Fulgent Genetics
Classification: Uncertain significance for Medulloblastoma; Familial dysautonomia. Last evaluated: 2024-03-07. Review status: criteria provided, single submitter. Criteria: ACMG Guidelines, 2015. Collection method: clinical testing. Allele origin: germline.

CeGaT Center for Human Genetics Tuebingen
Classification: Likely benign. Last evaluated: 2021-11-01. Review status: criteria provided, single submitter. Criteria: CeGaT Center For Human Genetics Tuebingen Variant Classification Criteria Version 2. Collection method: clinical testing. Allele origin: germline. Affected: yes. Observed: 1 variant allele.